The following is an entry in ClinVar:

ClinVar aggregate classification (germline): Conflicting classifications of pathogenicity. Review status: criteria provided, conflicting classifications (1 of 4 stars). 4 submissions from 4 submitters: Uncertain significance (2); Likely benign (1). 1 of the submissions does not count toward it. Last evaluated 2024-03-28.

Conditions:
Hereditary cancer-predisposing syndrome. Also called: Hereditary neoplastic syndrome; Tumor predisposition; Hereditary Cancer Syndrome; Neoplastic Syndromes, Hereditary. Identifiers: Orphanet 140162, MedGen C0027672, MeSH D009386, MONDO:0015356.
Fanconi anemia (FA). Also called: Fanconi's anemia. Identifiers: Orphanet 84, MedGen C0015625, MeSH D005199, MONDO:0019391.

Allele frequency attached by ClinVar (database versions not stated): gnomAD exomes below 0.00001 and 0.00001; TOPMed 0.00001.
gnomAD v4.1: 10 of 1,614,054 alleles (0.00062%); highest among the groups gnomAD compares: South Asian, 0.0011%; no homozygotes.

Submissions (4):

Ambry Genetics
Classification: Likely benign for Hereditary cancer-predisposing syndrome. Last evaluated: 2024-03-28. Review status: criteria provided, single submitter. Criteria: Ambry Variant Classification Scheme 2023. Collection method: clinical testing. Allele origin: germline.

GeneDx
Classification: Uncertain significance. Last evaluated: 2023-08-07. Review status: criteria provided, single submitter. Criteria: GeneDx Variant Classification Process June 2021. Collection method: clinical testing. Allele origin: germline. Affected: yes.
Comment: Not observed at significant frequency in large population cohorts (gnomAD); In silico analysis supports that this missense variant has a deleterious effect on protein structure/function; Has not been previously published as pathogenic or benign to our knowledge; This variant is associated with the following publications: (PMID: Gordon2000[Book])

Labcorp Genetics (formerly Invitae), Labcorp
Classification: Uncertain significance for Fanconi anemia. Last evaluated: 2022-04-10. Review status: criteria provided, single submitter. Criteria: Invitae Variant Classification Sherloc (09022015). Collection method: clinical testing. Allele origin: germline.
Comment: This sequence change replaces arginine, which is basic and polar, with tryptophan, which is neutral and slightly polar, at codon 361 of the FANCC protein (p.Arg361Trp). This variant is present in population databases (rs768508859, gnomAD 0.0009%). This variant has not been reported in the literature in individuals affected with FANCC-related conditions. ClinVar contains an entry for this variant (Variation ID: 219624). Algorithms developed to predict the effect of missense changes on protein structure and function are either unavailable or do not agree on the potential impact of this missense change (SIFT: "Deleterious"; PolyPhen-2: "Possibly Damaging"; Align-GVGD: "Class C0"). In summary, the available evidence is currently insufficient to determine the role of this variant in disease. Therefore, it has been classified as a Variant of Uncertain Significance.

Natera, Inc.
Classification: Uncertain significance for Fanconi anemia. Last evaluated: 2020-10-16. Review status: no assertion criteria provided. Collection method: clinical testing. Allele origin: germline. Not counted in ClinVar's aggregate classification.

NM_000136.3(FANCC):c.1081C>T (p.Arg361Trp)

Genes: FANCC (FA complementation group C; minus strand), AOPEP (aminopeptidase O (putative); plus strand). Cytogenetic location: 9q22.32.
Variant type: single nucleotide variant.
Coding change: c.1081C>T on transcript NM_000136.3 (MANE Select); coding-DNA position 1081, C replaced by T.
Protein change: p.Arg361Trp; replaces arginine 361 with tryptophan.
Molecular consequence: missense variant.
Genome position (GRCh38, 1-based): chr9:95,114,702, G>A on the plus strand (C>T on the coding strand, the complement: FANCC is on the minus strand). VCF-style: chr9-95114702-G-A. GRCh37 (hg19) VCF-style: chr9-97876984-G-A.
Other names: c.1081C>T, p.Arg361Trp (NM_001243743.2, NM_001243744.2); short protein forms R361W.
Identifiers: ClinVar variation 219624 (VCV000219624.17), dbSNP rs768508859, ClinGen allele CA350435.
Genomic context (GRCh38, chr9:95,114,702, plus strand): 5'-CTTCAACTGCTTCTCTGAGCAGTTCAGAAATATGCTTCAGTGTCTGGAGCCAGTGTCCCC[G>A]AGGGATATCTGCGGGTGGAGAGAGATACGTCAGAGGGCAACTGAGGAAATGTCAAGCCCA-3'
Protein context (NP_000127.2, residues 351-371): VLLQDPQDIP[Arg361Trp]GHWLQTLKHI